The following is an entry in ClinVar:

ClinVar aggregate classification (germline): Benign. Review status: criteria provided, multiple submitters, no conflicts (2 of 4 stars). 4 submissions from 4 submitters: Benign (3). 1 of the submissions does not count toward it. Last evaluated 2021-05-05.

Conditions:
CEMIP-related disorder. Also called: CEMIP-related condition.

Allele frequency attached by ClinVar (database versions not stated): gnomAD exomes 0.00791 and 0.01849; ExAC 0.02188; gnomAD 0.06460 and 0.06893; 1000 Genomes Project 0.07129; TOPMed 0.07268; ESP Exome Variant Server 0.07458; 1000 Genomes Project 30x 0.07823.
gnomAD v4.1: 21,897 of 1,614,116 alleles (1.4%); highest among the groups gnomAD compares: African/African-American, 22%; 1,966 homozygotes.

Submissions (4):

GeneDx
Classification: Benign. Last evaluated: 2021-05-05. Review status: criteria provided, single submitter. Criteria: GeneDx Variant Classification Process June 2021. Collection method: clinical testing. Allele origin: germline. Affected: yes.

Athena Diagnostics
Classification: Benign. Last evaluated: 2018-05-23. Review status: criteria provided, single submitter. Criteria: Athena Diagnostics Criteria. Collection method: clinical testing. Allele origin: germline.

Breakthrough Genomics
Classification: Benign. Review status: criteria provided, single submitter. Criteria: ACMG Guidelines, 2015. Collection method: not provided. Allele origin: germline. Inheritance: Unknown mechanism. Affected: yes.

PreventionGenetics, part of Exact Sciences
Classification: Benign for CEMIP-related condition. Last evaluated: 2019-11-25. Review status: no assertion criteria provided. Collection method: clinical testing. Allele origin: germline. Not counted in ClinVar's aggregate classification.
Comment: This variant is classified as benign based on ACMG/AMP sequence variant interpretation guidelines (Richards et al. 2015 PMID: 25741868, with internal and published modifications).

NM_001293298.2(CEMIP):c.249G>A (p.Leu83=)

Gene: CEMIP (cell migration inducing hyaluronidase 1; plus strand). Cytogenetic location: 15q25.1.
Variant type: single nucleotide variant.
Coding change: c.249G>A on transcript NM_001293298.2 (MANE Select); coding-DNA position 249, G replaced by A.
Protein change: p.Leu83=; no amino-acid change (leucine 83 retained).
Molecular consequence: synonymous variant.
Genome position (GRCh38, 1-based): chr15:80,879,723, G>A. VCF-style: chr15-80879723-G-A. GRCh37 (hg19) VCF-style: chr15-81172064-G-A.
Other names: c.249G>A, p.Leu83= (NM_001293304.2, NM_018689.3).
Identifiers: ClinVar variation 585660 (VCV000585660.6), dbSNP rs35541581, ClinGen allele CA7692590.